The following is an entry in ClinVar:

ClinVar aggregate classification (germline): Pathogenic (1 of 4 stars; one submission).

Conditions:
Inborn genetic diseases. Identifiers: MedGen C0950123, MeSH D030342.

Submission:

Ambry Genetics
Classification: Pathogenic for Inborn genetic diseases. Last evaluated: 2022-06-24. Review status: criteria provided, single submitter. Criteria: Ambry Variant Classification Scheme 2023. Collection method: clinical testing. Allele origin: germline.
Comment: The c.950_951dupAG (p.L318Sfs*2) alteration, located in exon 3 (coding exon 2) of the MYCN gene, consists of a duplication of AG at position 950, causing a translational frameshift with a predicted alternate stop codon after 2 amino acids. This alteration occurs at the 3' terminus of the MYCN gene, is not expected to trigger nonsense-mediated mRNA decay, and impacts the last 31% of the protein. However, premature stop codons are typically deleterious in nature, a significant portion of the protein is affected, and multiple truncating and missense alterations downstream of this alteration have been reported as disease-causing (van Bokhoven, 2005; Cognet, 2011; Ambry internal data). This variant was not reported in population-based cohorts in the Genome Aggregation Database (gnomAD). Based on the available evidence, this alteration is classified as pathogenic.

Literature cited by the submitters: PubMed 15821734; PubMed 21224895.

NM_005378.6(MYCN):c.950_951dup (p.Leu318fs)

Gene: MYCN (MYCN proto-oncogene, bHLH transcription factor; plus strand). Cytogenetic location: 2p24.3.
Variant type: Duplication.
Coding change: c.950_951dup on transcript NM_005378.6 (MANE Select); coding-DNA positions 950 to 951, 2 bases duplicated (AG; older notation c.950_951dupAG).
Protein change: p.Leu318fs; shifts the reading frame from leucine 318.
Molecular consequence: frameshift variant. On other transcripts: 3 prime UTR variant (1).
Genome position (GRCh38, 1-based): chr2:15,945,652-15,945,653, AG duplicated; duplicating any 2 consecutive bases within chr2:15,945,651-15,945,653 gives the same sequence; the c. name uses the placement nearest the transcript's 3' end. VCF-style (leftmost placement, unchanged base first): chr2-15945650-C-CGA. GRCh37 (hg19) VCF-style: chr2-16085772-C-CGA.
Other names: c.950_951dup, p.Leu318fs (NM_001293228.2); c.317_318dup, p.Leu107fs (NM_001293231.2); c.*885_*886dup (NM_001293233.2); short protein forms L318fs, L107fs.
Identifiers: ClinVar variation 2296052 (VCV002296052.2), dbSNP rs2527936984, ClinGen allele CA2580063670.